The following is an entry in ClinVar:

ClinVar aggregate classification (germline): Conflicting classifications of pathogenicity. Review status: criteria provided, conflicting classifications (1 of 4 stars). 3 submissions from 3 submitters: Uncertain significance (1); Likely benign (1). 1 of the submissions does not count toward it. Last evaluated 2023-12-06.

Allele frequency attached by ClinVar (database versions not stated): ExAC 0.00003; gnomAD 0.00001; TOPMed 0.00002.
gnomAD v4.1: 86 of 1,610,522 alleles (0.0053%); highest among the groups gnomAD compares: Non-Finnish European, 0.0068%; no homozygotes.

Submissions (3):

Labcorp Genetics (formerly Invitae), Labcorp
Classification: Likely benign. Last evaluated: 2023-12-06. Review status: criteria provided, single submitter. Criteria: Invitae Variant Classification Sherloc (09022015). Collection method: clinical testing. Allele origin: germline.

GeneDx
Classification: Uncertain significance. Last evaluated: 2023-01-08. Review status: criteria provided, single submitter. Criteria: GeneDx Variant Classification Process June 2021. Collection method: clinical testing. Allele origin: germline. Affected: yes.
Comment: In silico analysis supports that this missense variant has a deleterious effect on protein structure/function; Has not been previously published as pathogenic or benign to our knowledge

Genetics and Genomic Medicine Centre, NeuroGen Healthcare, NeuroGen Healthcare
Classification: Uncertain significance. Last evaluated: 2020-12-12. Review status: no assertion criteria provided. Collection method: clinical testing. Allele origin: unknown. Affected: yes. Not counted in ClinVar's aggregate classification.

NM_014727.3(KMT2B):c.4198C>T (p.Arg1400Cys)

Gene: KMT2B (lysine methyltransferase 2B; plus strand). Cytogenetic location: 19q13.12.
Variant type: single nucleotide variant.
Coding change: c.4198C>T on transcript NM_014727.3 (MANE Select); coding-DNA position 4198, C replaced by T.
Protein change: p.Arg1400Cys; replaces arginine 1400 with cysteine.
Molecular consequence: missense variant.
Genome position (GRCh38, 1-based): chr19:35,727,518, C>T. VCF-style: chr19-35727518-C-T. GRCh37 (hg19) VCF-style: chr19-36218419-C-T.
Other names: short protein forms R1400C.
Identifiers: ClinVar variation 2571934 (VCV002571934.6), dbSNP rs747829749, ClinGen allele CA9385007.
Genomic context (GRCh38, chr19:35,727,518, plus strand): 5'-TCAGGACTGCCAGACTCGGTGCTGTACACCTGCGGACCGTGTGCTGGGGCAGCGCAGCCC[C>T]GCTGGCGAGAGGCCCTGAGCGGGGCCCTCCAGGGGGGCCTGCGCCAGGTGCTCCAGGGCC-3'
Protein context (NP_055542.1, residues 1390-1410): CGPCAGAAQP[Arg1400Cys]WREALSGALQ